The following is an entry in ClinVar:

NM_001191061.2(SLC25A22):c.836A>G (p.Glu279Gly)

Gene: SLC25A22 (solute carrier family 25 member 22; minus strand). Cytogenetic location: 11p15.5.
Variant type: single nucleotide variant.
Coding change: c.836A>G on transcript NM_001191061.2 (MANE Select); coding-DNA position 836, A replaced by G.
Protein change: p.Glu279Gly; replaces glutamic acid 279 with glycine.
Molecular consequence: missense variant.
Genome position (GRCh38, 1-based): chr11:792,051, T>C on the plus strand (A>G on the coding strand, the complement: SLC25A22 is on the minus strand). VCF-style: chr11-792051-T-C. GRCh37 (hg19) VCF-style: chr11-792051-T-C.
Other names: c.836A>G, p.Glu279Gly (NM_001191060.2, NM_024698.6); short protein forms E279G.
Identifiers: ClinVar variation 1346851 (VCV001346851.7), dbSNP rs2133697920, ClinGen allele CA378967182.

ClinVar aggregate classification (germline): Uncertain significance (1 of 4 stars; one submission).

Conditions:
Early-infantile DEE. Also called: Early infantile epileptic encephalopathy with suppression bursts; Ohtahara syndrome; Early infantile epileptic encephalopathy. Identifiers: Orphanet 1934, MedGen C0393706, MONDO:0800491.

Allele frequency attached by ClinVar (database versions not stated): gnomAD exomes below 0.00001.

Submission:

Labcorp Genetics (formerly Invitae), Labcorp
Classification: Uncertain significance for Early-infantile DEE. Last evaluated: 2021-12-02. Review status: criteria provided, single submitter. Criteria: Invitae Variant Classification Sherloc (09022015). Collection method: clinical testing. Allele origin: germline.
Comment: This variant has not been reported in the literature in individuals affected with SLC25A22-related conditions. This variant is not present in population databases (gnomAD no frequency). This sequence change replaces glutamic acid, which is acidic and polar, with glycine, which is neutral and non-polar, at codon 279 of the SLC25A22 protein (p.Glu279Gly). Algorithms developed to predict the effect of missense changes on protein structure and function are either unavailable or do not agree on the potential impact of this missense change (SIFT: "Deleterious"; PolyPhen-2: "Probably Damaging"; Align-GVGD: "Class C0"). In summary, the available evidence is currently insufficient to determine the role of this variant in disease. Therefore, it has been classified as a Variant of Uncertain Significance.